The following is an entry in ClinVar:

NM_000216.4(ANOS1):c.520G>A (p.Val174Ile)

Gene: ANOS1 (anosmin 1; minus strand). Cytogenetic location: Xp22.31.
Variant type: single nucleotide variant.
Coding change: c.520G>A on transcript NM_000216.4 (MANE Select); coding-DNA position 520, G replaced by A.
Protein change: p.Val174Ile; replaces valine 174 with isoleucine.
Molecular consequence: missense variant.
Genome position (GRCh38, 1-based): chrX:8,597,055, C>T on the plus strand (G>A on the coding strand, the complement: ANOS1 is on the minus strand). VCF-style: chrX-8597055-C-T. GRCh37 (hg19) VCF-style: chrX-8565096-C-T.
Other names: short protein forms V174I.
Identifiers: ClinVar variation 2785978 (VCV002785978.3), dbSNP rs1350803749, ClinGen allele CA412024797.

ClinVar aggregate classification (germline): Uncertain significance (1 of 4 stars; one submission).

Conditions:
Hypogonadotropic hypogonadism 1 with or without anosmia (HH1). Also called: Kallmann syndrome, type 1, X-linked; DYSPLASIA OLFACTOGENITALIS OF DE MORSIER; HYPOGONADOTROPIC HYPOGONADISM 1 WITH ANOSMIA; KAL1-Related GnRH Deficiency (Kallmann Syndrome 1; Kallmann Syndrome, X-Linked); Hypogonadotropic hypogonadism 1 with or without anosmia (Kallmann syndrome 1); HYPOGONADOTROPIC HYPOGONADISM AND ANOSMIA. Identifiers: Orphanet 478, MedGen C1563719, MONDO:0010635, OMIM 308700. Disease mechanism: loss of function.

Allele frequency attached by ClinVar (database versions not stated): gnomAD 0.00001; TOPMed 0.00001.
gnomAD v4.1: 1 of 1,210,217 alleles (0.000083%); highest among the groups gnomAD compares: African/African-American, 0.0017%; no homozygotes.

Submission:

Labcorp Genetics (formerly Invitae), Labcorp
Classification: Uncertain significance for Hypogonadotropic hypogonadism 1 with or without anosmia. Last evaluated: 2025-08-25. Review status: criteria provided, single submitter. Criteria: Invitae Variant Classification Sherloc (09022015). Collection method: clinical testing. Allele origin: germline.
Comment: This sequence change replaces valine, which is neutral and non-polar, with isoleucine, which is neutral and non-polar, at codon 174 of the ANOS1 protein (p.Val174Ile). This variant is not present in population databases (gnomAD no frequency). This variant has not been reported in the literature in individuals affected with ANOS1-related conditions. ClinVar contains an entry for this variant (Variation ID: 2785978). Invitae Evidence Modeling of protein sequence and biophysical properties (such as structural, functional, and spatial information, amino acid conservation, physicochemical variation, residue mobility, and thermodynamic stability) indicates that this missense variant is not expected to disrupt ANOS1 protein function with a negative predictive value of 80%. In summary, the available evidence is currently insufficient to determine the role of this variant in disease. Therefore, it has been classified as a Variant of Uncertain Significance.